The following is an entry in ClinVar:

ClinVar aggregate classification (germline): Uncertain significance. Review status: criteria provided, multiple submitters, no conflicts (2 of 4 stars). 3 submissions from 3 submitters: Uncertain significance (3). Last evaluated 2026-02-20.

Conditions:
Hereditary cancer-predisposing syndrome. Also called: Tumor predisposition; Hereditary neoplastic syndrome; Neoplastic Syndromes, Hereditary; Hereditary Cancer Syndrome. Identifiers: Orphanet 140162, MedGen C0027672, MeSH D009386, MONDO:0015356.
Rhabdoid tumor predisposition syndrome 2 (RTPS2). Identifiers: Orphanet 231108, Orphanet 69077, MedGen C2750074, MONDO:0013224, OMIM 613325.

Allele frequency attached by ClinVar (database versions not stated): gnomAD exomes below 0.00001; ExAC 0.00001.
gnomAD v4.1: 2 of 1,613,154 alleles (0.00012%); highest among the groups gnomAD compares: Non-Finnish European, 0.00017%; no homozygotes.

Submissions (3):

St. Jude Molecular Pathology, St. Jude Children's Research Hospital
Classification: Uncertain significance for Rhabdoid tumor predisposition syndrome 2. Last evaluated: 2026-02-20. Review status: criteria provided, single submitter. Criteria: St. Jude Assertion Criteria 2020. Collection method: clinical testing. Allele origin: germline.
Comment: The SMARCA4 c.3025C>T p.(Arg1009Cys) missense change has a maximum subpopulation frequency of 0.00088% in gnomAD v2.1.1. The in silico tool REVEL predicts a deleterious effect on p rotein function, but to our knowledge this prediction has not been confirmed by functional studies. To our knowledge, this variant has not been reported in individuals with rhabdoid tumor predisposition syndrome. In summary, the evidence currently availa ble is insufficient to determine the clinical significance of this variant. It has therefore been classified as of uncertain significance.

Labcorp Genetics (formerly Invitae), Labcorp
Classification: Uncertain significance for Rhabdoid tumor predisposition syndrome 2. Last evaluated: 2025-09-09. Review status: criteria provided, single submitter. Criteria: Invitae Variant Classification Sherloc (09022015). Collection method: clinical testing. Allele origin: germline.
Comment: This sequence change replaces arginine, which is basic and polar, with cysteine, which is neutral and slightly polar, at codon 1009 of the SMARCA4 protein (p.Arg1009Cys). This variant is present in population databases (rs777562578, gnomAD 0.0009%). This variant has not been reported in the literature in individuals affected with SMARCA4-related conditions. ClinVar contains an entry for this variant (Variation ID: 847539). Invitae Evidence Modeling of protein sequence and biophysical properties (such as structural, functional, and spatial information, amino acid conservation, physicochemical variation, residue mobility, and thermodynamic stability) has been performed for this missense variant. However, the output from this modeling did not meet the statistical confidence thresholds required to predict the impact of this variant on SMARCA4 protein function. In summary, the available evidence is currently insufficient to determine the role of this variant in disease. Therefore, it has been classified as a Variant of Uncertain Significance.

Ambry Genetics
Classification: Uncertain significance for Hereditary cancer-predisposing syndrome. Last evaluated: 2024-08-05. Review status: criteria provided, single submitter. Criteria: Ambry Variant Classification Scheme 2023. Collection method: clinical testing. Allele origin: germline.
Comment: The p.R1009C variant (also known as c.3025C>T), located in coding exon 20 of the SMARCA4 gene, results from a C to T substitution at nucleotide position 3025. The arginine at codon 1009 is replaced by cysteine, an amino acid with highly dissimilar properties. This amino acid position is highly conserved in available vertebrate species. In addition, this alteration is predicted to be deleterious by in silico analysis. Based on the available evidence, the clinical significance of this variant remains unclear.

NM_003072.5(SMARCA4):c.3025C>T (p.Arg1009Cys)

Gene: SMARCA4 (SWI/SNF related BAF chromatin remodeling complex subunit ATPase 4; plus strand). Cytogenetic location: 19p13.2.
Variant type: single nucleotide variant.
Coding change: c.3025C>T on transcript NM_003072.5 (MANE Select); coding-DNA position 3025, C replaced by T.
Protein change: p.Arg1009Cys; replaces arginine 1009 with cysteine.
Molecular consequence: missense variant. On other transcripts: non-coding transcript variant (1).
Genome position (GRCh38, 1-based): chr19:11,024,382, C>T. VCF-style: chr19-11024382-C-T. GRCh37 (hg19) VCF-style: chr19-11135058-C-T.
Other names: c.3025C>T (NM_001128849.2); c.3025C>T, p.Arg1009Cys (NM_001128844.3, NM_001128845.2, NM_001128846.2 and 4 more transcripts); short protein forms R1009C.
Identifiers: ClinVar variation 847539 (VCV000847539.11), dbSNP rs777562578, ClinGen allele CA9204298.
Genomic context (GRCh38, chr19:11,024,382, plus strand): 5'-CCCCTGCAGGTGGAGTACGTCATCAAGTGCGACATGTCTGCGCTGCAGCGAGTGCTCTAC[C>T]GCCACATGCAGGCCAAGGGCGTGCTGCTGACTGATGGCTCCGAGAAGGACAAGAAGGTGG-3'
Protein context (NP_003063.2, residues 999-1019): DMSALQRVLY[Arg1009Cys]HMQAKGVLLT